The following is an entry in ClinVar:

ClinVar aggregate classification (germline): Uncertain significance (1 of 4 stars; one submission).

Submission:

Ambry Genetics
Classification: Uncertain significance. Last evaluated: 2026-03-23. Review status: criteria provided, single submitter. Criteria: Ambry Variant Classification Scheme 2023. Collection method: clinical testing. Allele origin: germline.
Comment: The p.L208M variant (also known as c.622C>A), located in coding exon 3 of the GALNT12 gene, results from a C to A substitution at nucleotide position 622. The leucine at codon 208 is replaced by methionine, an amino acid with highly similar properties. This amino acid position is conserved. In addition, the in silico prediction for this alteration is inconclusive. Based on the available evidence, the clinical significance of this variant remains unclear.

NM_024642.5(GALNT12):c.622C>A (p.Leu208Met)

Gene: GALNT12 (polypeptide N-acetylgalactosaminyltransferase 12; plus strand). Cytogenetic location: 9q22.33.
Variant type: single nucleotide variant.
Coding change: c.622C>A on transcript NM_024642.5 (MANE Select); coding-DNA position 622, C replaced by A.
Protein change: p.Leu208Met; replaces leucine 208 with methionine.
Molecular consequence: missense variant.
Genome position (GRCh38, 1-based): chr9:98,826,832, C>A. VCF-style: chr9-98826832-C-A. GRCh37 (hg19) VCF-style: chr9-101589114-C-A.
Other names: short protein forms L208M.
Identifiers: ClinVar variation 4871639 (VCV004871639.1).
Genomic context (GRCh38, chr9:98,826,832, plus strand): 5'-GCCAATGAGCTTTCGGGACTGCCCAAGGTGCGCCTGATCCGCGCCAACAAGAGAGAGGGC[C>A]TGGTGCGAGCCCGGCTGCTGGGGGCGTCTGCGGCGAGGGGCGATGTTCTGACCTTCCTGG-3'
Protein context (NP_078918.3, residues 198-218): RLIRANKREG[Leu208Met]VRARLLGASA